The following is an entry in ClinVar:

NM_177438.3(DICER1):c.3259G>T (p.Ala1087Ser)

Gene: DICER1 (dicer 1, ribonuclease III; minus strand). Cytogenetic location: 14q32.13.
Variant type: single nucleotide variant.
Coding change: c.3259G>T on transcript NM_177438.3 (MANE Select); coding-DNA position 3259, G replaced by T.
Protein change: p.Ala1087Ser; replaces alanine 1087 with serine.
Molecular consequence: missense variant.
Genome position (GRCh38, 1-based): chr14:95,105,081, C>A on the plus strand (G>T on the coding strand, the complement: DICER1 is on the minus strand). VCF-style: chr14-95105081-C-A. GRCh37 (hg19) VCF-style: chr14-95571418-C-A.
Other names: c.3259G>T, p.Ala1087Ser (NM_001195573.1, NM_001271282.3, NM_001291628.2 and 1 more transcripts); short protein forms A1087S.
Identifiers: ClinVar variation 852231 (VCV000852231.12), dbSNP rs1891290739, ClinGen allele CA390876270.
Genomic context (GRCh38, chr14:95,105,081, plus strand): 5'-AAACAGGATCTCATGATCTGTGTTCTTTCTGGCTGACTGCACAGGCATACCTAAAATCCG[C>A]AGGAAGTGATCTGACTCCCACGCCAGCATCGCTGGCAGTCTGGGCTCTTAGCTCCTCTGC-3'
Protein context (NP_803187.1, residues 1077-1097): DAGVGVRSLP[Ala1087Ser]DFRYPNLDFG

ClinVar aggregate classification (germline): Uncertain significance. Review status: criteria provided, multiple submitters, no conflicts (2 of 4 stars). 2 submissions from 2 submitters: Uncertain significance (2). Last evaluated 2023-03-31.

Conditions:
DICER1-related tumor predisposition. Also called: DICER1 syndrome; DICER1-related pleuropulmonary blastoma cancer predisposition syndrome. Identifiers: Orphanet 284343, MedGen C3839822, MONDO:0100216.
Hereditary cancer-predisposing syndrome. Also called: Neoplastic Syndromes, Hereditary; Hereditary Cancer Syndrome; Hereditary neoplastic syndrome; Tumor predisposition. Identifiers: Orphanet 140162, MedGen C0027672, MeSH D009386, MONDO:0015356.

gnomAD v4.1: 1 of 1,614,090 alleles (0.000062%); highest among the groups gnomAD compares: East Asian, 0.0022%; no homozygotes.

Submissions (2):

Ambry Genetics
Classification: Uncertain significance for Hereditary cancer-predisposing syndrome. Last evaluated: 2023-03-31. Review status: criteria provided, single submitter. Criteria: Ambry Variant Classification Scheme 2023. Collection method: clinical testing. Allele origin: germline.
Comment: The p.A1087S variant (also known as c.3259G>T), located in coding exon 19 of the DICER1 gene, results from a G to T substitution at nucleotide position 3259. The alanine at codon 1087 is replaced by serine, an amino acid with similar properties. This amino acid position is conserved. In addition, this alteration is predicted to be tolerated by in silico analysis. Since supporting evidence is limited at this time, the clinical significance of this alteration remains unclear.

Labcorp Genetics (formerly Invitae), Labcorp
Classification: Uncertain significance for DICER1-related tumor predisposition. Last evaluated: 2019-01-03. Review status: criteria provided, single submitter. Criteria: Invitae Variant Classification Sherloc (09022015). Collection method: clinical testing. Allele origin: germline.
Comment: In summary, the available evidence is currently insufficient to determine the role of this variant in disease. Therefore, it has been classified as a Variant of Uncertain Significance. Algorithms developed to predict the effect of missense changes on protein structure and function (SIFT, PolyPhen-2, Align-GVGD) all suggest that this variant is likely to be tolerated, but these predictions have not been confirmed by published functional studies and their clinical significance is uncertain. This variant has not been reported in the literature in individuals with DICER1-related conditions. This variant is not present in population databases (ExAC no frequency). This sequence change replaces alanine with serine at codon 1087 of the DICER1 protein (p.Ala1087Ser). The alanine residue is weakly conserved and there is a moderate physicochemical difference between alanine and serine.